The following is an entry in ClinVar:

NM_016188.5(ACTL6B):c.1009A>T (p.Ile337Phe)

Gene: ACTL6B (actin like 6B; minus strand). Cytogenetic location: 7q22.1.
Variant type: single nucleotide variant.
Coding change: c.1009A>T on transcript NM_016188.5 (MANE Select); coding-DNA position 1009, A replaced by T.
Protein change: p.Ile337Phe; replaces isoleucine 337 with phenylalanine.
Molecular consequence: missense variant. On other transcripts: non-coding transcript variant (1).
Genome position (GRCh38, 1-based): chr7:100,646,759, T>A on the plus strand (A>T on the coding strand, the complement: ACTL6B is on the minus strand). VCF-style: chr7-100646759-T-A. GRCh37 (hg19) VCF-style: chr7-100244382-T-A.
Other names: short protein forms I337F.
Identifiers: ClinVar variation 5020359 (VCV005020359.1).

ClinVar aggregate classification (germline): Uncertain significance (1 of 4 stars; one submission).

Submission:

Dasa
Classification: Uncertain significance. Last evaluated: 2026-06-16. Review status: criteria provided, single submitter. Criteria: DASA Assertion Criteria. Collection method: clinical testing. Allele origin: germline.
Comment: NM_016188.5(ACTL6B):c.1009A>T (p.Ile337Phe) is a missense variant that results in the substitution of isoleucine with phenylalanine. This variant is rare in population databases. Computational prediction algorithms are consistent with a deleterious effect. The currently available literature and clinical evidence are not sufficient to establish a definitive association between this variant and the reported condition. Therefore, this variant is classified as a variant of uncertain significance.